The following is an entry in ClinVar:

GRCh38/hg38 17p13.3(chr17:2599570-2624929)x3

Gene: PAFAH1B1 (platelet activating factor acetylhydrolase 1b regulatory subunit 1; plus strand). Cytogenetic location: 17p13.3.
Variant type: copy number gain.
Change: copy number 3 (three copies instead of two) of chr17:2,599,570-2,624,929 (25.4 kb, GRCh38 coordinates, 1-based), cytogenetic band 17p13.3.
Identifiers: ClinVar variation 147515 (VCV000147515.4).

ClinVar aggregate classification (germline): Conflicting classifications of pathogenicity. Review status: no assertion criteria provided (0 of 4 stars). 2 submissions from 2 submitters: Uncertain significance (1); conflicting data from submitters (1). Last evaluated 2014-12-19.

Submissions (2):

ISCA site 1
Classification: conflicting data from submitters. Last evaluated: 2014-12-19. Review status: no assertion criteria provided. Collection method: clinical testing. Allele origin: unknown. Affected: yes. Observed: 2 variant alleles.
Comment: Pathogenic(1), Uncertain significance(1)

Copy number variation identified through the course of routine clinical cytogenomic testing in postnatal populations, with clinical assertions as classified by the original submitter. For data from the original published study, Kaminsky, et al. 2011 (PubMed 21844811), please see nstd101.

ISCA site 4
Classification: Uncertain significance. Last evaluated: 2010-05-27. Review status: no assertion criteria provided. Collection method: clinical testing. Allele origin: unknown. Affected: yes. Observed: 2 variant alleles.